The following is an entry in ClinVar:

NM_170707.4(LMNA):c.1158-6C>T

Gene: LMNA (lamin A/C; plus strand). Cytogenetic location: 1q22.
Variant type: single nucleotide variant.
Coding change: c.1158-6C>T on transcript NM_170707.4 (MANE Select); 6 bases into the intron before coding-DNA position 1158, C replaced by T.
Molecular consequence: intron variant.
Genome position (GRCh38, 1-based): chr1:156,136,208, C>T. VCF-style: chr1-156136208-C-T. GRCh37 (hg19) VCF-style: chr1-156105999-C-T.
Other names: c.1158-6C>T (NM_001282625.2, NM_001282626.2, NM_170708.4 and 1 more transcripts); c.822-6C>T (NM_001257374.3); c.915-6C>T (NM_001282624.2).
Identifiers: ClinVar variation 1103609 (VCV001103609.10), dbSNP rs1375538892, ClinGen allele CA889736121.
Genomic context (GRCh38, chr1:156,136,208, plus strand): 5'-GCTGGCAGTGTCCTCTGGCCGGCAACTGGCCTTGACTAGACCCCCACTTGGTCTCCCTCT[C>T]CCCAGGCTACGCCTGTCCCCCAGCCCTACCTCGCAGCGCAGCCGTGGCCGTGCTTCCTCT-3'

ClinVar aggregate classification (germline): Likely benign. Review status: criteria provided, multiple submitters, no conflicts (2 of 4 stars). 2 submissions from 2 submitters: Likely benign (2). Last evaluated 2025-08-03.

Conditions:
Primary dilated cardiomyopathy (DCM). Also called: Dilated Cardiomyopathy. Identifiers: Orphanet 217604, MedGen C0007193, MeSH D002311, MONDO:0005021, HP:0001644. Inheritance: Various modes of inheritance.
Charcot-Marie-Tooth disease type 2. Also called: Charcot-Marie-Tooth type 2. Identifiers: Orphanet 64746, MedGen C0270914, MONDO:0018993.

Allele frequency attached by ClinVar (database versions not stated): TOPMed below 0.00001.

Submissions (2):

Labcorp Genetics (formerly Invitae), Labcorp
Classification: Likely benign for Charcot-Marie-Tooth disease type 2. Last evaluated: 2025-08-03. Review status: criteria provided, single submitter. Criteria: Invitae Variant Classification Sherloc (09022015). Collection method: clinical testing. Allele origin: germline.

All of Us Research Program, National Institutes of Health
Classification: Likely benign for Primary dilated cardiomyopathy. Last evaluated: 2023-06-26. Review status: criteria provided, single submitter. Criteria: ACMG Guidelines, 2015. Collection method: clinical testing. Allele origin: germline. Inheritance: Autosomal dominant inheritance. Observed: 3 variant alleles, 3 heterozygotes.
Comment: This study involves interpretation of variants in research participants for the purpose of population health screening. Participant phenotype was not available at the time of variant classification. Additional details can be found in publication PMID: 35346344, PMCID: PMC8962531